The following is an entry in ClinVar:

NM_000540.3(RYR1):c.9873A>G (p.Ala3291=)

Gene: RYR1 (ryanodine receptor 1; plus strand). Cytogenetic location: 19q13.2.
Variant type: single nucleotide variant.
Coding change: c.9873A>G on transcript NM_000540.3 (MANE Select); coding-DNA position 9873, A replaced by G.
Protein change: p.Ala3291=; no amino-acid change (alanine 3291 retained).
Molecular consequence: synonymous variant.
Genome position (GRCh38, 1-based): chr19:38,517,546, A>G. VCF-style: chr19-38517546-A-G. GRCh37 (hg19) VCF-style: chr19-39008186-A-G.
Other names: c.9873A>G, p.Ala3291= (NM_001042723.2).
Identifiers: ClinVar variation 3072660 (VCV003072660.1), dbSNP rs2145682340, ClinGen allele CA507247263.

ClinVar aggregate classification (germline): Likely benign (1 of 4 stars; one submission).

Conditions:
Malignant hyperthermia, susceptibility to, 1 (MHS1). Also called: Anesthesia related hyperthermia; Malignant hyperpyrexia; Fulminating hyperpyrexia; Pharmacogenic myopathy; RYR1-Related Malignant Hyperthermia Susceptibility; Malignant hyperthermia suceptibility 1. Identifiers: Orphanet 423, MedGen C2930980, MONDO:0007783, OMIM 145600.

Submission:

All of Us Research Program, National Institutes of Health
Classification: Likely benign for Malignant hyperthermia, susceptibility to, 1. Last evaluated: 2023-08-15. Review status: criteria provided, single submitter. Criteria: ACMG Guidelines, 2015. Collection method: clinical testing. Allele origin: germline. Inheritance: Autosomal dominant inheritance. Observed: 1 variant allele, 1 heterozygote.
Comment: This study involves interpretation of variants in research participants for the purpose of population health screening. Participant phenotype was not available at the time of variant classification. Additional details can be found in publication PMID: 35346344, PMCID: PMC8962531